The following is an entry in ClinVar:

ClinVar aggregate classification (germline): Uncertain significance (1 of 4 stars; one submission).

Submission:

Women's Health and Genetics/Laboratory Corporation of America, LabCorp
Classification: Uncertain significance. Last evaluated: 2020-04-13. Review status: criteria provided, single submitter. Criteria: LabCorp Variant Classification Summary - May 2015. Collection method: clinical testing. Allele origin: germline.
Comment: Variant summary: A2ML1 c.128_224dup97 (p.Leu76GlufsX6) results in a premature termination codon, predicted to cause a truncation of the encoded protein or absence of the protein due to nonsense mediated decay. The variant was absent in 249532 control chromosomes. The available data on variant occurrences in the general population are insufficient to allow any conclusion about variant significance. To our knowledge, no occurrence of c.128_224dup97 in individuals affected with Noonan Syndrome And Related Conditions and no experimental evidence demonstrating its impact on protein function have been reported. No clinical diagnostic laboratories have submitted clinical-significance assessments for this variant to ClinVar after 2014. Based on the evidence outlined above, the variant was classified as uncertain significance.

NM_144670.6(A2ML1):c.128_224dup (p.His75_Leu76insGluProTrpValGlnTer)

Genes: A2ML1-AS1 (A2ML1 antisense RNA 1; minus strand), A2ML1 (alpha-2-macroglobulin like 1; plus strand). Cytogenetic location: 12p13.31.
Variant type: Duplication.
Coding change: c.128_224dup on transcript NM_144670.6 (MANE Select); coding-DNA positions 128 to 224, 97 bases duplicated.
Protein change: p.His75_Leu76insGluProTrpValGlnTer.
Molecular consequence: nonsense, inframe insertion.
Genome position (GRCh38, 1-based): chr12:8,823,247-8,823,343, 97 bases duplicated. GRCh37 (hg19): chr12:8,975,843-8,975,939.
Identifiers: ClinVar variation 917783 (VCV000917783.1), dbSNP rs1942804878, ClinGen allele CA1139662510.